The following is an entry in ClinVar:

ClinVar aggregate classification (germline): Uncertain significance (1 of 4 stars; one submission).

Allele frequency attached by ClinVar (database versions not stated): ExAC 0.00002; gnomAD exomes below 0.00001; gnomAD 0.00001; TOPMed 0.00001.
gnomAD v4.1: 7 of 1,597,578 alleles (0.00044%); highest among the groups gnomAD compares: Non-Finnish European, 0.00051%; no homozygotes.

Submission:

Labcorp Genetics (formerly Invitae), Labcorp
Classification: Uncertain significance. Last evaluated: 2022-04-11. Review status: criteria provided, single submitter. Criteria: Invitae Variant Classification Sherloc (09022015). Collection method: clinical testing. Allele origin: germline.
Comment: This sequence change replaces alanine, which is neutral and non-polar, with threonine, which is neutral and polar, at codon 605 of the MYO15A protein (p.Ala605Thr). The frequency data for this variant in the population databases is considered unreliable, as metrics indicate poor data quality at this position in the gnomAD database. This variant has not been reported in the literature in individuals affected with MYO15A-related conditions. Advanced modeling of protein sequence and biophysical properties (such as structural, functional, and spatial information, amino acid conservation, physicochemical variation, residue mobility, and thermodynamic stability) performed at Invitae indicates that this missense variant is not expected to disrupt MYO15A protein function. In summary, the available evidence is currently insufficient to determine the role of this variant in disease. Therefore, it has been classified as a Variant of Uncertain Significance.

NM_016239.4(MYO15A):c.1813G>A (p.Ala605Thr)

Gene: MYO15A (myosin XVA; plus strand). Cytogenetic location: 17p11.2.
Variant type: single nucleotide variant.
Coding change: c.1813G>A on transcript NM_016239.4 (MANE Select); coding-DNA position 1813, G replaced by A.
Protein change: p.Ala605Thr; replaces alanine 605 with threonine.
Molecular consequence: missense variant.
Genome position (GRCh38, 1-based): chr17:18,120,613, G>A. VCF-style: chr17-18120613-G-A. GRCh37 (hg19) VCF-style: chr17-18023927-G-A.
Other names: short protein forms A605T.
Identifiers: ClinVar variation 2188104 (VCV002188104.1), dbSNP rs755321472, ClinGen allele CA8423187.
Genomic context (GRCh38, chr17:18,120,613, plus strand): 5'-CCCATCGCGCGGCTCAGGGGCAGCCAGAAGGCCCGGGCGGGCGGCCCTGCTGTCAGGGAG[G>A]CGGCCTACAAACGCTTCGGCTACAAGCTGGCTGGCATGGACCCCGAGAAGCCCGGCACGC-3'
Protein context (NP_057323.3, residues 595-615): ARAGGPAVRE[Ala605Thr]AYKRFGYKLA